The following is an entry in ClinVar:

NM_017534.6(MYH2):c.3232G>A (p.Glu1078Lys)

Genes: MYH2 (myosin heavy chain 2; minus strand), MYHAS (myosin heavy chain gene cluster antisense RNA; plus strand). Cytogenetic location: 17p13.1.
Variant type: single nucleotide variant.
Coding change: c.3232G>A on transcript NM_017534.6 (MANE Select); coding-DNA position 3232, G replaced by A.
Protein change: p.Glu1078Lys; replaces glutamic acid 1078 with lysine.
Molecular consequence: missense variant.
Genome position (GRCh38, 1-based): chr17:10,529,367, C>T on the plus strand (G>A on the coding strand, the complement: MYH2 is on the minus strand). VCF-style: chr17-10529367-C-T. GRCh37 (hg19) VCF-style: chr17-10432684-C-T.
Other names: c.3232G>A, p.Glu1078Lys (NM_001100112.2); short protein forms E1078K.
Identifiers: ClinVar variation 3642274 (VCV003642274.2).

ClinVar aggregate classification (germline): Uncertain significance (1 of 4 stars; one submission).

Conditions:
Myopathy, proximal, and ophthalmoplegia (CMYO6). Also called: MYOPATHY WITH CONGENITAL JOINT CONTRACTURES, OPHTHALMOPLEGIA, AND RIMMED VACUOLES; INCLUSION BODY MYOPATHY 3, AUTOSOMAL DOMINANT; CONGENITAL MYOPATHY 6 WITH OPHTHALMOPLEGIA. Identifiers: Orphanet 363677, Orphanet 79091, MedGen C1854106, MONDO:0011577, OMIM 605637.

gnomAD v4.1: 2 of 1,614,068 alleles (0.00012%); highest among the groups gnomAD compares: Non-Finnish European, 0.00017%; no homozygotes.

Submission:

Labcorp Genetics (formerly Invitae), Labcorp
Classification: Uncertain significance for Myopathy, proximal, and ophthalmoplegia. Last evaluated: 2024-02-20. Review status: criteria provided, single submitter. Criteria: Invitae Variant Classification Sherloc (09022015). Collection method: clinical testing. Allele origin: germline.
Comment: This sequence change replaces glutamic acid, which is acidic and polar, with lysine, which is basic and polar, at codon 1078 of the MYH2 protein (p.Glu1078Lys). This variant is not present in population databases (gnomAD no frequency). This variant has not been reported in the literature in individuals affected with MYH2-related conditions. Advanced modeling of protein sequence and biophysical properties (such as structural, functional, and spatial information, amino acid conservation, physicochemical variation, residue mobility, and thermodynamic stability) performed at Invitae indicates that this missense variant is not expected to disrupt MYH2 protein function with a negative predictive value of 80%. In summary, the available evidence is currently insufficient to determine the role of this variant in disease. Therefore, it has been classified as a Variant of Uncertain Significance.